The following is an entry in ClinVar:

NM_003239.5(TGFB3):c.866A>G (p.Asp289Gly)

Gene: TGFB3 (transforming growth factor beta 3; minus strand). Cytogenetic location: 14q24.3.
Variant type: single nucleotide variant.
Coding change: c.866A>G on transcript NM_003239.5 (MANE Select); coding-DNA position 866, A replaced by G.
Protein change: p.Asp289Gly; replaces aspartic acid 289 with glycine.
Molecular consequence: missense variant.
Genome position (GRCh38, 1-based): chr14:75,963,376, T>C on the plus strand (A>G on the coding strand, the complement: TGFB3 is on the minus strand). VCF-style: chr14-75963376-T-C. GRCh37 (hg19) VCF-style: chr14-76429719-T-C.
Other names: c.866A>G, p.Asp289Gly (NM_001329938.2, NM_001329939.2); short protein forms D289G.
Identifiers: ClinVar variation 2920313 (VCV002920313.3), dbSNP rs2504099813, ClinGen allele CA390468339.

ClinVar aggregate classification (germline): Uncertain significance (1 of 4 stars; one submission).

Conditions:
Rienhoff syndrome. Also called: LOEYS-DIETZ SYNDROME 5. Identifiers: MedGen C3810012, MONDO:0014262, OMIM 615582.

Submission:

Labcorp Genetics (formerly Invitae), Labcorp
Classification: Uncertain significance for Rienhoff syndrome. Last evaluated: 2025-04-07. Review status: criteria provided, single submitter. Criteria: Invitae Variant Classification Sherloc (09022015). Collection method: clinical testing. Allele origin: germline.
Comment: This sequence change replaces aspartic acid, which is acidic and polar, with glycine, which is neutral and non-polar, at codon 289 of the TGFB3 protein (p.Asp289Gly). This variant is not present in population databases (gnomAD no frequency). This variant has not been reported in the literature in individuals affected with TGFB3-related conditions. ClinVar contains an entry for this variant (Variation ID: 2920313). An algorithm developed to predict the effect of missense changes on protein structure and function outputs the following: PolyPhen-2: "Benign". The glycine amino acid residue is found in multiple mammalian species, which suggests that this missense change does not adversely affect protein function. In summary, the available evidence is currently insufficient to determine the role of this variant in disease. Therefore, it has been classified as a Variant of Uncertain Significance.